The following is an entry in ClinVar:

ClinVar aggregate classification (germline): Pathogenic. Review status: reviewed by expert panel (3 of 4 stars). 2 submissions from 2 submitters: Pathogenic (1). 1 of the submissions does not count toward it. Last evaluated 2017-12-15.

Conditions:
Hereditary breast ovarian cancer syndrome. Also called: Hereditary breast and ovarian cancer; Breast and ovarian cancer; BRCA1- and BRCA2-Associated Hereditary Breast and Ovarian Cancer; Hereditary breast and ovarian cancer syndrome; Hereditary breast and ovarian cancer syndrome (HBOC); Hereditary breast and/or ovarian cancer syndrome. Identifiers: Orphanet 145, MedGen C0677776, MeSH D061325, MONDO:0003582. Disease mechanism: loss of function.
Breast-ovarian cancer, familial, susceptibility to, 2 (BROVCA2). Also called: BRCA2 Hereditary Breast and Ovarian Cancer. Identifiers: Orphanet 145, MedGen C2675520, MONDO:0012933, OMIM 612555. Disease mechanism: loss of function.

Submissions (2):

Evidence-based Network for the Interpretation of Germline Mutant Alleles (ENIGMA)
Classification: Pathogenic for Breast-ovarian cancer, familial, susceptibility to, 2. Last evaluated: 2017-12-15. Review status: reviewed by expert panel. Criteria: ENIGMA BRCA1/2 Classification Criteria (2017-06-29). Collection method: curation. Allele origin: germline. Study: ENIGMA.
Comment: Variant allele predicted to encode a truncated non-functional protein.

Labcorp Genetics (formerly Invitae), Labcorp
Classification: Pathogenic for Hereditary breast ovarian cancer syndrome. Last evaluated: 2016-02-25. Review status: criteria provided, single submitter. Criteria: Invitae Variant Classification Sherloc (09022015). Collection method: clinical testing. Allele origin: germline. Not counted in ClinVar's aggregate classification.
Comment: This sequence change deletes 1 nucleotide from exon 11 of the BRCA2 mRNA (c.3349delA), causing a frameshift at codon 1117. This creates a premature translational stop signal (p.Ile1117Tyrfs*2) and is expected to result in an absent or disrupted protein product. While this particular variant has not been reported in the literature, truncating variants in BRCA2 are known to be pathogenic (PMID: 20104584). For these reasons, this variant has been classified as Pathogenic.

Literature cited by the submitters: PubMed 20104584 (cited by Labcorp Genetics (formerly Invitae), Labcorp).

NM_000059.4(BRCA2):c.3349del (p.Ile1117fs)

Gene: BRCA2 (BRCA2 DNA repair associated; plus strand). Cytogenetic location: 13q13.1.
Variant type: Deletion.
Coding change: c.3349del on transcript NM_000059.4 (MANE Select); coding-DNA position 3349, one base deleted (A; older notation c.3349delA).
Protein change: p.Ile1117fs; shifts the reading frame from isoleucine 1117.
Molecular consequence: frameshift variant.
Genome position (GRCh38, 1-based): chr13:32,337,704, A deleted. VCF-style (leftmost placement, unchanged base first): chr13-32337703-TA-T. GRCh37 (hg19) VCF-style: chr13-32911840-TA-T.
Other names: c.3349delA (NM_000059.3); short protein forms I1117fs.
Identifiers: ClinVar variation 236849 (VCV000236849.7), dbSNP rs878853567, ClinGen allele CA10583088.